The following is an entry in ClinVar:

NM_030973.4(MED25):c.292C>T (p.Leu98Phe)

Gene: MED25 (mediator complex subunit 25; plus strand). Cytogenetic location: 19q13.33.
Variant type: single nucleotide variant.
Coding change: c.292C>T on transcript NM_030973.4 (MANE Select); coding-DNA position 292, C replaced by T.
Protein change: p.Leu98Phe; replaces leucine 98 with phenylalanine.
Molecular consequence: missense variant.
Genome position (GRCh38, 1-based): chr19:49,819,283, C>T. VCF-style: chr19-49819283-C-T. GRCh37 (hg19) VCF-style: chr19-50322540-C-T.
Other names: c.292C>T, p.Leu98Phe (NM_001378355.1); short protein forms L98F.
Identifiers: ClinVar variation 1046634 (VCV001046634.6), dbSNP rs753652217, ClinGen allele CA9584778.

ClinVar aggregate classification (germline): Uncertain significance (1 of 4 stars; one submission).

Conditions:
Charcot-Marie-Tooth disease type 2. Also called: Charcot-Marie-Tooth type 2. Identifiers: Orphanet 64746, MedGen C0270914, MONDO:0018993.

Allele frequency attached by ClinVar (database versions not stated): ExAC 0.00001; gnomAD exomes 0.00001.
gnomAD v4.1: 7 of 1,604,726 alleles (0.00044%); highest among the groups gnomAD compares: Admixed American, 0.0017%; no homozygotes.

Submission:

Labcorp Genetics (formerly Invitae), Labcorp
Classification: Uncertain significance for Charcot-Marie-Tooth disease type 2. Last evaluated: 2021-08-27. Review status: criteria provided, single submitter. Criteria: Invitae Variant Classification Sherloc (09022015). Collection method: clinical testing. Allele origin: germline.
Comment: This sequence change replaces leucine with phenylalanine at codon 98 of the MED25 protein (p.Leu98Phe). The leucine residue is moderately conserved and there is a small physicochemical difference between leucine and phenylalanine. This variant is present in population databases (rs753652217, ExAC 0.006%). This variant has not been reported in the literature in individuals affected with MED25-related conditions. Algorithms developed to predict the effect of missense changes on protein structure and function are either unavailable or do not agree on the potential impact of this missense change (SIFT: "Tolerated"; PolyPhen-2: "Probably Damaging"; Align-GVGD: "Class C0"). Algorithms developed to predict the effect of sequence changes on RNA splicing suggest that this variant may create or strengthen a splice site. In summary, the available evidence is currently insufficient to determine the role of this variant in disease. Therefore, it has been classified as a Variant of Uncertain Significance.